The following is an entry in ClinVar:

NM_000051.4(ATM):c.1669del (p.Met557fs)

Gene: ATM (ATM serine/threonine kinase; plus strand). Cytogenetic location: 11q22.3.
Variant type: Deletion.
Coding change: c.1669del on transcript NM_000051.4 (MANE Select); coding-DNA position 1669, one base deleted (A; older notation c.1669delA).
Protein change: p.Met557fs; shifts the reading frame from methionine 557.
Molecular consequence: frameshift variant.
Genome position (GRCh38, 1-based): chr11:108,251,898, A deleted; the last of 5 consecutive A bases (chr11:108,251,894-108,251,898); deleting any one gives the same sequence. VCF-style (leftmost placement, unchanged base first): chr11-108251893-TA-T. GRCh37 (hg19) VCF-style: chr11-108122620-TA-T.
Other names: c.1669del, p.Met557fs (NM_001351834.2); short protein forms M557fs.
Identifiers: ClinVar variation 3800103 (VCV003800103.1).

ClinVar aggregate classification (germline): Pathogenic (1 of 4 stars; one submission).

Conditions:
Hereditary cancer-predisposing syndrome. Also called: Neoplastic Syndromes, Hereditary; Hereditary Cancer Syndrome; Tumor predisposition; Hereditary neoplastic syndrome. Identifiers: Orphanet 140162, MedGen C0027672, MeSH D009386, MONDO:0015356.

Submission:

Ambry Genetics
Classification: Pathogenic for Hereditary cancer-predisposing syndrome. Last evaluated: 2024-12-30. Review status: criteria provided, single submitter. Criteria: Ambry Variant Classification Scheme 2023. Collection method: clinical testing. Allele origin: germline.
Comment: The c.1669delA pathogenic mutation, located in coding exon 10 of the ATM gene, results from a deletion of one nucleotide at nucleotide position 1669, causing a translational frameshift with a predicted alternate stop codon (p.M557Wfs*3). This variant is considered to be rare based on population cohorts in the Genome Aggregation Database (gnomAD). This alteration is expected to result in loss of function by premature protein truncation or nonsense-mediated mRNA decay. As such, this alteration is interpreted as a disease-causing mutation.